The following is an entry in ClinVar:

ClinVar aggregate classification (germline): Uncertain significance (1 of 4 stars; one submission).

Submission:

Women's Health and Genetics/Laboratory Corporation of America, LabCorp
Classification: Uncertain significance. Last evaluated: 2024-07-29. Review status: criteria provided, single submitter. Criteria: LabCorp Variant Classification Summary - May 2015. Collection method: clinical testing. Allele origin: germline.
Comment: Variant summary: PKHD1 c.10445G>T (p.Arg3482Leu) results in a non-conservative amino acid change in the encoded protein sequence. Three of five in-silico tools predict a damaging effect of the variant on protein function. The variant was absent in 250676 control chromosomes (gnomAD). c.10445G>T has been reported in the literature in an individual affected with Polycystic Kidney And Hepatic Disease (Burgmaier_2021). These data do not allow any conclusion about variant significance. A different variant affecting the same codon has been determined to be pathogenic by our lab (c.10444C>T, p.Arg3482Cys), supporting the critical relevance of codon 3482 to PKHD1 protein function. To our knowledge, no experimental evidence demonstrating an impact on protein function has been reported. The following publication has been ascertained in the context of this evaluation (PMID: 33940108). No submitters have cited clinical-significance assessments for this variant to ClinVar. Based on the evidence outlined above, the variant was classified as VUS-possibly pathogenic.

Literature cited by the submitters: PubMed 33940108.

NM_138694.4(PKHD1):c.10445G>T (p.Arg3482Leu)

Gene: PKHD1 (PKHD1 ciliary IPT domain containing fibrocystin/polyductin; minus strand). Cytogenetic location: 6p12.3.
Variant type: single nucleotide variant.
Coding change: c.10445G>T on transcript NM_138694.4 (MANE Select); coding-DNA position 10445, G replaced by T.
Protein change: p.Arg3482Leu; replaces arginine 3482 with leucine.
Molecular consequence: missense variant.
Genome position (GRCh38, 1-based): chr6:51,659,681, C>A on the plus strand (G>T on the coding strand, the complement: PKHD1 is on the minus strand). VCF-style: chr6-51659681-C-A. GRCh37 (hg19) VCF-style: chr6-51524479-C-A.
Other names: short protein forms R3482L.
Identifiers: ClinVar variation 3339266 (VCV003339266.1).
Genomic context (GRCh38, chr6:51,659,681, plus strand): 5'-TCATGGTAGAATACAGCCAAGAGAAGCTTGGAGGTACTTTTGTTCCCCAATAGAAAAAAG[C>A]GCAAAACTTGAGGAGTTTGATCCATGAAGCAGACTTTGGTGATTTGCCTGATGGGTAAGA-3'
Protein context (NP_619639.3, residues 3472-3492): CFMDQTPQVL[Arg3482Leu]FFLLGNKSTS